The following is an entry in ClinVar:

NM_001754.5(RUNX1):c.*582del

Gene: RUNX1 (RUNX family transcription factor 1; minus strand). Cytogenetic location: 21q22.12.
Variant type: Deletion.
Coding change: c.*582del on transcript NM_001754.5 (MANE Select); 582 bases downstream of the stop codon, one base deleted (C; older notation c.*582delC).
Molecular consequence: 3 prime UTR variant.
Genome position (GRCh38, 1-based): chr21:34,791,553, G deleted on the plus strand (C on the coding strand, the reverse complement: RUNX1 is on the minus strand). VCF-style (leftmost placement, unchanged base first): chr21-34791552-AG-A. GRCh37 (hg19) VCF-style: chr21-36163849-AG-A.
Other names: c.*582del (NM_001001890.3).
Identifiers: ClinVar variation 339862 (VCV000339862.6), dbSNP rs201200981, ClinGen allele CA10650437.

ClinVar aggregate classification (germline): Benign (3 of 4 stars; one submission).

Conditions:
Hereditary thrombocytopenia and hematologic cancer predisposition syndrome. Identifiers: Orphanet 71290, MedGen CN281654, MONDO:0011071.

Allele frequency attached by ClinVar (database versions not stated): TOPMed 0.00006; gnomAD 0.00008 and 0.00025; 1000 Genomes Project 30x 0.00156; 1000 Genomes Project 0.00180; gnomAD exomes 0.00324.

Submission:

ClinGen Myeloid Malignancy Variant Curation Expert Panel
Classification: Benign for Hereditary thrombocytopenia and hematologic cancer predisposition syndrome. Last evaluated: 2023-11-13. Review status: reviewed by expert panel. Criteria: ClinGen MyeloMalig ACMG Specifications v2. Collection method: curation. Allele origin: germline. Inheritance: Autosomal dominant inheritance.
Comment: NM_001754.5(RUNX1):c.*582del is in an UTR variant. MAF of 0.006923 (0.6923%, 36/5200,) in the East Asian subpopulation of gnomAD cohort v3.1.2 is >= 0.0015 (0.15%)(BA1). This UTR variant has a SpliceAI score <= 0.20 (Donor Loss 0.01)(BP4). In summary, this variant meets the criteria to be classified as benign. ACMG/AMP criteria applied, as specified by the Myeloid Malignancy Variant Curation Expert Panel for RUNX1: BA1, BP4